The following is an entry in ClinVar:

ClinVar aggregate classification (germline): Uncertain significance (1 of 4 stars; one submission).

Allele frequency attached by ClinVar (database versions not stated): ExAC 0.00001; gnomAD 0.00001; TOPMed 0.00002; gnomAD exomes 0.00003.
gnomAD v4.1: 45 of 1,613,288 alleles (0.0028%); highest among the groups gnomAD compares: Non-Finnish European, 0.0033%; no homozygotes.

Submission:

CeGaT Center for Human Genetics Tuebingen
Classification: Uncertain significance. Last evaluated: 2022-09-01. Review status: criteria provided, single submitter. Criteria: CeGaT Center For Human Genetics Tuebingen Variant Classification Criteria Version 2. Collection method: clinical testing. Allele origin: germline. Affected: yes. Observed: 1 variant allele.
Comment: TTN: PM2, BP4

NM_001267550.2(TTN):c.36399G>C (p.Glu12133Asp)

Gene: TTN (titin; minus strand). Cytogenetic location: 2q31.2.
Variant type: single nucleotide variant.
Coding change: c.36399G>C on transcript NM_001267550.2 (MANE Select); coding-DNA position 36399, G replaced by C.
Protein change: p.Glu12133Asp; replaces glutamic acid 12133 with aspartic acid.
Molecular consequence: missense variant. On other transcripts: intron variant (5).
Genome position (GRCh38, 1-based): chr2:178,663,868, C>G on the plus strand (G>C on the coding strand, the complement: TTN is on the minus strand). VCF-style: chr2-178663868-C-G. GRCh37 (hg19) VCF-style: chr2-179528595-C-G.
Other names: c.13283-21551G>C (NM_003319.4); c.13859-21551G>C (NM_133437.4); c.13658-21551G>C (NM_133432.3); c.31484-813G>C (NM_133378.4); c.34265-813G>C (NM_001256850.1); short protein forms E12133D.
Identifiers: ClinVar variation 2651663 (VCV002651663.24), dbSNP rs764372729, ClinGen allele CA1997499.
Genomic context (GRCh38, chr2:178,663,868, plus strand): 5'-GTGGCAACTACCTTTAACAGGTGGGACTTCAGGCTCTTTAGGAGGAGCCAAGGGCACTTT[C>G]TCTTCGCGGATAACCTCTTTGGAAGCTTCTGGCACTTGAAAGATATTAGTGAAATTACAT-3'
Protein context (NP_001254479.2, residues 12123-12143): PEASKEVIRE[Glu12133Asp]KVPLAPPKEP